The following is an entry in ClinVar:

NM_000132.4(F8):c.3637del (p.Ile1213fs)

Gene: F8 (coagulation factor VIII; minus strand). Cytogenetic location: Xq28.
Variant type: Deletion.
Coding change: c.3637del on transcript NM_000132.4 (MANE Select); coding-DNA position 3637, one base deleted (A; older notation c.3637delA).
Protein change: p.Ile1213fs; shifts the reading frame from isoleucine 1213.
Molecular consequence: frameshift variant.
Genome position (GRCh38, 1-based): chrX:154,930,153, T deleted on the plus strand (A on the coding strand, the reverse complement: F8 is on the minus strand); the first of 9 consecutive T bases (chrX:154,930,153-154,930,161); deleting any one gives the same sequence. VCF-style (leftmost placement, unchanged base first): chrX-154930152-AT-A. GRCh37 (hg19) VCF-style: chrX-154158427-AT-A.
Other names: F8, 1-BP DEL, FS; NM_000132.4(F8):c.3637del; p.Ile1213Phefs*5; c.3637delA (NM_000132.3, NM_000132.4); short protein forms I1213fs.
Identifiers: ClinVar variation 10253 (VCV000010253.29), dbSNP rs387906450, ClinGen allele CA255146.

ClinVar aggregate classification (germline): Pathogenic. Review status: reviewed by expert panel (3 of 4 stars). 12 submissions from 12 submitters: Pathogenic (1). 11 of the submissions do not count toward it. Last evaluated 2024-06-25.

Conditions:
Thrombophilia, X-linked, due to factor 8 defect. Also called: Thrombophilia 13, X-linked, due to factor VIII defect; THROMBOPHILIA, X-LINKED, DUE TO FACTOR VIII DEFECT. Identifiers: MedGen C5676879, MONDO:0859082, OMIM 301071.
Hereditary factor VIII deficiency disease (HEMA). Also called: AUTOSOMAL HEMOPHILIA A; Hemophilia A, congenital; HEM A; Factor 8 deficiency, congenital; Hemophilia A; HEMOPHILIA, CLASSIC. Identifiers: Orphanet 98878, MedGen C0019069, MONDO:0010602, OMIM 306700.
Hereditary factor IX deficiency disease (HEMB). Also called: F9 DEFICIENCY; FACTOR IX DEFICIENCY; Christmas Disease; PLASMA THROMBOPLASTIN COMPONENT DEFICIENCY; Hemophilia B. Identifiers: Orphanet 98879, MedGen C0008533, MeSH D002836, MONDO:0010604, OMIM 306900.

Submissions (12):

ClinGen Coagulation Factor Deficiency Variant Curation Expert Panel, Clingen
Classification: Pathogenic for Hereditary factor VIII deficiency disease. Last evaluated: 2024-06-25. Review status: reviewed by expert panel. Criteria: ClinGen CoagFactor ACMG Specifications F8 V1.0.0. Collection method: curation. Allele origin: germline. Inheritance: X-linked inheritance.
Comment: The F8 c.3637del (p.Ile1213Phefs*5) variant is a frameshift variant that is predicted to introduce a premature stop codon in exon 14 and expected to result in nonsense-mediated mRNA decay. This variant is completely absent from males in gnomAD v2.1.1 and gnomAD v3. This variant has been reported in >16 probands with moderate to severe hemophilia, meeting phenotypic criteria for F8 (PMID: 15921397; PMID: 20533009; PMID: 8307558; PMID: 16601827). This variant has been reported both with and without the development of inhibitors. This variant is reported as de novo in at least seven probands with maternity confirmed in the affected male (PMID: 29381227). In summary, this variant meets criteria to be classified as pathogenic. ACMG/AMP criteria applied, as specified by the Coagulation Factor Deficiency Variant Curation Expert Panel for F8: PVS1, PS2_Very Strong, PS4_Very Strong, PM2_Supporting. (ClinGen Coagulation Factor Deficiency Expert Panel Specifications to the ACMG/AMP Variant Interpretation Guidelines for F8 Version 1.0.0., Released 10/5/2023)

Genomic Medicine Center of Excellence, King Faisal Specialist Hospital and Research Centre
Classification: Pathogenic for Hereditary factor VIII deficiency disease. Last evaluated: 2025-09-10. Review status: criteria provided, single submitter. Criteria: ACMG Guidelines, 2015. Collection method: clinical testing. Allele origin: germline. Not counted in ClinVar's aggregate classification.

GeneDx
Classification: Pathogenic. Last evaluated: 2025-06-12. Review status: criteria provided, single submitter. Criteria: GeneDx Variant Classification Process June 2021. Collection method: clinical testing. Allele origin: germline. Not counted in ClinVar's aggregate classification.
Comment: Frameshift variant predicted to result in protein truncation or nonsense mediated decay in a gene for which loss of function is a known mechanism of disease; Not observed at significant frequency in large population cohorts (gnomAD); This variant is associated with the following publications: (PMID: 35014236, 31064749, 20331753, 33245802, 32897612, 33706050, 8307558, 34671977, 36595620, 34708896, 29381227)

Mayo Clinic Laboratories, Mayo Clinic
Classification: Pathogenic. Last evaluated: 2025-02-24. Review status: criteria provided, single submitter. Criteria: ACMG Guidelines, 2015. Collection method: clinical testing. Allele origin: germline. Observed: 2 variant alleles. Not counted in ClinVar's aggregate classification.
Comment: PP5, PM2_moderate, PS2, PS4, PVS1

Women's Health and Genetics/Laboratory Corporation of America, LabCorp
Classification: Pathogenic for Hereditary factor VIII deficiency disease. Last evaluated: 2024-09-30. Review status: criteria provided, single submitter. Criteria: LabCorp Variant Classification Summary - May 2015. Collection method: clinical testing. Allele origin: germline. Not counted in ClinVar's aggregate classification.
Comment: Variant summary: F8 c.3637delA (p.Ile1213PhefsX5) results in a premature termination codon, predicted to cause a truncation of the encoded protein or absence of the protein due to nonsense mediated decay, which are commonly known mechanisms for disease. The variant allele was found at a frequency of 5.8e-06 in 1200384 control chromosomes. c.3637delA has been reported in the literature in multiple hemizygous male individuals affected with Factor VIII Deficiency (Hemophilia A), including several de novo cases (e.g. Lu_2018). These data indicate that the variant is very likely to be associated with disease. The following publication has been ascertained in the context of this evaluation (PMID: 29381227). ClinVar contains an entry for this variant (Variation ID: 10253). Based on the evidence outlined above, the variant was classified as pathogenic.

ARUP Laboratories, Molecular Genetics and Genomics, ARUP Laboratories
Classification: Pathogenic for Hereditary factor VIII deficiency disease. Last evaluated: 2022-10-25. Review status: criteria provided, single submitter. Criteria: ARUP Molecular Germline Variant Investigation Process 2021. Collection method: clinical testing. Allele origin: germline. Not counted in ClinVar's aggregate classification.
Comment: The F8 c.3637delA; p.Ile1213PhefsTer5 variant (rs387906450) is reported in the literature in numerous individuals affected with hemophilia A, including multiple probands in which it was reported to occur de novo (Lu 2018, Factor VIII database and references therein). This variant is absent from general population databases (Exome Variant Server, Genome Aggregation Database), indicating it is not a common polymorphism. This variant causes a frameshift by deleting a single nucleotide, so it is predicted to result in a truncated protein or mRNA subject to nonsense-mediated decay. Based on available information, this variant is considered to be pathogenic. References: Factor VIII database: Lu Y et al. Spectrum and origin of mutations in sporadic cases of haemophilia A in China. Haemophilia. 2018 Mar;24(2):291-298.

NIHR Bioresource Rare Diseases, University of Cambridge
Classification: Likely pathogenic for Hereditary factor IX deficiency disease. Last evaluated: 2019-02-01. Review status: criteria provided, single submitter. Criteria: ACMG Guidelines, 2015. Collection method: research. Allele origin: unknown. Affected: yes. Observed: 1 hemizygote. Study: ThromboGenomics. Not counted in ClinVar's aggregate classification.

Juno Genomics, Hangzhou Juno Genomics, Inc
Classification: Pathogenic for Hereditary factor VIII deficiency disease; Thrombophilia, X-linked, due to factor 8 defect. Review status: criteria provided, single submitter. Criteria: ACMG Guidelines, 2015. Collection method: clinical testing. Allele origin: germline. Not counted in ClinVar's aggregate classification.
Comment: Absent from controls (or at extremely low frequency if recessive) in Genome Aggregation Database.;Null variant in a gene where loss of function (LOF) is a known mechanism of disease.;The prevalence of the variant in affected individuals is significantly increased compared to the prevalence in controls.;Patient's phenotype or family history is highly specific for a disease with a single genetic etiology.

Lifecell International Pvt. Ltd
Classification: Pathogenic for Hereditary factor VIII deficiency disease. Review status: criteria provided, single submitter. Criteria: ACMG Guidelines, 2015. Collection method: clinical testing. Allele origin: germline. Inheritance: X-linked recessive inheritance. Affected: yes. Observed: 1 hemizygote. Not counted in ClinVar's aggregate classification.
Comment: A Hemizygote Frameshift variant c.3637delA in Exon 14 of the F8 gene that results in the amino acid substitution p.Ile1213fs*5 was identified. The observed variant is noevel ingnomAD exomes and genomes, respectively. The severity of the impact of this variant on the protein is high, based on the effect of the protein and REVEL score . Rare Exome VariantEnsemble Learner (REVEL) is an ensembl method for predicting the pathogenicity of missense variants based on a combination of scores from 13 individual tools: MutPred, FATHMMv2.3, VEST 3.0, PolyPhen-2, SIFT, PROVEAN, MutationAssessor, MutationTaster, LRT, GERP++, SiPhy, phyloP, and phastCons. The REVEL score for an individual missense variantcan range from 0 to 1, with higher scores reflecting greater likelihood that the variant is disease-causing. ClinVar has also classified this variant as PathogenicLikelyPathogenic(Variant ID:10253).This variant has been observed in many individuals affected with Hemophilia A reported by (Downes K et al., 2019). Based on the above evidence this variant has beenclassified as Pathogenic according to the ACMG guidelines.

Neuberg Centre For Genomic Medicine, NCGM
Classification: Pathogenic for Hereditary factor VIII deficiency disease. Review status: criteria provided, single submitter. Criteria: ACMG Guidelines, 2015. Collection method: clinical testing. Allele origin: germline. Inheritance: X-linked recessive inheritance. Affected: yes. Not counted in ClinVar's aggregate classification.
Comment: The frameshift deletion p.I1213Ffs*5 in F8 (NM_000132.4) has been reported previously in multiple patients with severe and moderate hemophilia A (Downes K et al,Albánez S et al). It has been submitted to ClinVar as Pathogenic/Likely Pathogenic. It is novel (not in any individuals) in gnomAD ExomesThe p.I1213Ffs*5 variant is novel (not in any individuals) in 1000 Genomes. This variant is predicted to cause loss of normal protein function through protein truncation. Loss of function variants have been described to be disease causing. For these reasons, this variant has been classified as Pathogenic.

Angelo Bianchi Bonomi Hemophilia and Thrombosis Center, Fondazione IRCCS Ca Granda Ospedale Maggiore Policlinico
Classification: Pathogenic for Hereditary factor VIII deficiency disease. Last evaluated: 2019-06-01. Review status: no assertion criteria provided. Collection method: clinical testing. Allele origin: germline. Affected: yes. Observed: 2 variant alleles. Not counted in ClinVar's aggregate classification.

OMIM
Classification: Pathogenic for HEMOPHILIA A. Last evaluated: 1993-12-01. Review status: no assertion criteria provided. Collection method: literature only. Allele origin: germline. Not counted in ClinVar's aggregate classification.